The following is an entry in ClinVar:

NM_007294.4(BRCA1):c.135-8A>G

Gene: BRCA1 (BRCA1 DNA repair associated; minus strand). Cytogenetic location: 17q21.31.
Variant type: single nucleotide variant.
Coding change: c.135-8A>G on transcript NM_007294.4 (MANE Select); 8 bases into the intron before coding-DNA position 135, A replaced by G.
Molecular consequence: intron variant.
Genome position (GRCh38, 1-based): chr17:43,106,541, T>C on the plus strand (A>G on the coding strand, the complement: BRCA1 is on the minus strand). VCF-style: chr17-43106541-T-C. GRCh37 (hg19) VCF-style: chr17-41258558-T-C.
Other names: c.-7-8A>G (NM_001407729.1, NM_001407936.1, NM_001407849.1 and 99 more transcripts); c.-54-8A>G (NM_001407899.1, NM_001408507.1, NM_001407958.1 and 58 more transcripts); c.135-8A>G (NM_001408495.1, NM_001408448.1, NM_001408421.1 and 167 more transcripts); c.135-1585A>G (NM_001408413.1, NM_001407660.1, NM_001407661.1 and 21 more transcripts); c.-169-1585A>G (NM_001407965.1, NM_001407959.1, NM_001407962.1 and 4 more transcripts); c.-218-11681A>G (NM_001407967.1, NM_001407966.1); c.81-1585A>G (NM_001408451.1).
Identifiers: ClinVar variation 868201 (VCV000868201.12), dbSNP rs2054798254, ClinGen allele CA916080922.

ClinVar aggregate classification (germline): Uncertain significance (1 of 4 stars; one submission).

Conditions:
Hereditary breast ovarian cancer syndrome. Also called: Hereditary breast and ovarian cancer; Hereditary breast and ovarian cancer syndrome (HBOC); Breast and ovarian cancer; Hereditary breast and/or ovarian cancer syndrome; BRCA1- and BRCA2-Associated Hereditary Breast and Ovarian Cancer; Hereditary breast and ovarian cancer syndrome. Identifiers: Orphanet 145, MedGen C0677776, MeSH D061325, MONDO:0003582. Disease mechanism: loss of function.

Submissions (2):

Labcorp Genetics (formerly Invitae), Labcorp
Classification: Uncertain significance for Hereditary breast ovarian cancer syndrome. Last evaluated: 2020-02-04. Review status: criteria provided, single submitter. Criteria: Invitae Variant Classification Sherloc (09022015). Collection method: clinical testing. Allele origin: germline.
Comment: This sequence change falls in intron 3 of the BRCA1 gene. It does not directly change the encoded amino acid sequence of the BRCA1 protein. In summary, the available evidence is currently insufficient to determine the role of this variant in disease. Therefore, it has been classified as a Variant of Uncertain Significance. Algorithms developed to predict the effect of sequence changes on RNA splicing suggest that this variant may disrupt the consensus splice site, but this prediction has not been confirmed by published transcriptional studies. This variant has not been reported in the literature in individuals with BRCA1-related disease. This variant is not present in population databases (ExAC no frequency).

Brotman Baty Institute, University of Washington
No classification provided (evidence only). Condition: Breast-ovarian cancer, familial 1. Review status: no classification provided. Collection method: in vitro. Allele origin: not applicable. Functional consequence: functionally_abnormal. Not counted in ClinVar's aggregate classification.
ClinVar note: "not provided" was previously submitted as the classification for the variant. However, the classification appeared to be based only on an observation of functional data so it was converted to no classification on 2025-07-30.